The following is an entry in ClinVar:

ClinVar aggregate classification (germline): Uncertain significance (1 of 4 stars; one submission).

Allele frequency attached by ClinVar (database versions not stated): gnomAD exomes below 0.00001; ExAC 0.00002.
gnomAD v4.1: 5 of 1,613,852 alleles (0.00031%); highest among the groups gnomAD compares: Non-Finnish European, 0.00042%; no homozygotes.

Submission:

Labcorp Genetics (formerly Invitae), Labcorp
Classification: Uncertain significance. Last evaluated: 2022-03-27. Review status: criteria provided, single submitter. Criteria: Invitae Variant Classification Sherloc (09022015). Collection method: clinical testing. Allele origin: germline.
Comment: In summary, the available evidence is currently insufficient to determine the role of this variant in disease. Therefore, it has been classified as a Variant of Uncertain Significance. Algorithms developed to predict the effect of missense changes on protein structure and function are either unavailable or do not agree on the potential impact of this missense change (SIFT: "Tolerated"; PolyPhen-2: "Possibly Damaging"; Align-GVGD: "Class C0"). This variant has not been reported in the literature in individuals affected with ADGRA3-related conditions. This variant is present in population databases (rs776038380, gnomAD 0.007%). This sequence change replaces alanine, which is neutral and non-polar, with valine, which is neutral and non-polar, at codon 1156 of the ADGRA3 protein (p.Ala1156Val).

NM_145290.4(ADGRA3):c.3467C>T (p.Ala1156Val)

Gene: ADGRA3 (adhesion G protein-coupled receptor A3; minus strand). Cytogenetic location: 4p15.2.
Variant type: single nucleotide variant.
Coding change: c.3467C>T on transcript NM_145290.4 (MANE Select); coding-DNA position 3467, C replaced by T.
Protein change: p.Ala1156Val; replaces alanine 1156 with valine.
Molecular consequence: missense variant.
Genome position (GRCh38, 1-based): chr4:22,388,204, G>A on the plus strand (C>T on the coding strand, the complement: ADGRA3 is on the minus strand). VCF-style: chr4-22388204-G-A. GRCh37 (hg19) VCF-style: chr4-22389827-G-A.
Other names: short protein forms A1156V.
Identifiers: ClinVar variation 1381785 (VCV001381785.6), dbSNP rs776038380, ClinGen allele CA2873361.